The following is an entry in ClinVar:

ClinVar aggregate classification (germline): Likely pathogenic (1 of 4 stars; one submission).

Conditions:
Glycine encephalopathy. Also called: Non-ketotic hyperglycinemia; Nonketotic hyperglycinemia. Identifiers: Orphanet 407, MedGen C0751748, MONDO:0011612, HP:0008288.

Submission:

Myriad Genetics, Inc.
Classification: Likely pathogenic for Glycine encephalopathy 1. Last evaluated: 2020-02-24. Review status: criteria provided, single submitter. Criteria: Myriad Women's Health Autosomal Recessive and X-Linked Classification Criteria (2019). Collection method: clinical testing. Allele origin: unknown.
Comment: NM_000170.2(GLDC):c.896T>A(L299*) is expected to be pathogenic in the context of GLDC-related glycine encephalopathy. This variant is predicted to lead to an abnormal or absent protein product due to the creation of a premature termination codon in GLDC, a gene where loss-of-function variants are known to be pathogenic. Please note: this variant was assessed in the context of healthy population screening.

NM_000170.3(GLDC):c.896T>A (p.Leu299Ter)

Gene: GLDC (glycine decarboxylase; minus strand). Cytogenetic location: 9p24.1.
Variant type: single nucleotide variant.
Coding change: c.896T>A on transcript NM_000170.3 (MANE Select); coding-DNA position 896, T replaced by A.
Protein change: p.Leu299Ter; replaces leucine 299 with a stop codon.
Molecular consequence: nonsense.
Genome position (GRCh38, 1-based): chr9:6,604,750, A>T on the plus strand (T>A on the coding strand, the complement: GLDC is on the minus strand). VCF-style: chr9-6604750-A-T. GRCh37 (hg19) VCF-style: chr9-6604750-A-T.
Other names: short protein forms L299*.
Identifiers: ClinVar variation 984010 (VCV000984010.3), dbSNP rs1818695432, ClinGen allele CA372895959.